The following is an entry in ClinVar:

NM_212552.3(BOLA3):c.253A>G (p.Asn85Asp)

Gene: BOLA3 (bolA family member 3; minus strand). Cytogenetic location: 2p13.1.
Variant type: single nucleotide variant.
Coding change: c.253A>G on transcript NM_212552.3 (MANE Select); coding-DNA position 253, A replaced by G.
Protein change: p.Asn85Asp; replaces asparagine 85 with aspartic acid.
Molecular consequence: missense variant. On other transcripts: intron variant (1).
Genome position (GRCh38, 1-based): chr2:74,142,277, T>C on the plus strand (A>G on the coding strand, the complement: BOLA3 is on the minus strand). VCF-style: chr2-74142277-T-C. GRCh37 (hg19) VCF-style: chr2-74369404-T-C.
Other names: NM_001035505.2:c.169+2912A>G; c.169+2912A>G (NM_001035505.2); short protein forms N85D.
Identifiers: ClinVar variation 1679842 (VCV001679842.1), dbSNP rs2103649867, ClinGen allele CA347311263.

ClinVar aggregate classification (germline): Uncertain significance (1 of 4 stars; one submission).

Conditions:
Multiple mitochondrial dysfunctions syndrome 2 (MMDS2). Also called: MULTIPLE MITOCHONDRIAL DYSFUNCTIONS SYNDROME 2 WITH HYPERGLYCINEMIA. Identifiers: Orphanet 401874, MedGen C3280378, MONDO:0013675, OMIM 614299.

Submission:

Broad Center for Mendelian Genomics, Broad Institute of MIT and Harvard
Classification: Uncertain significance for Multiple mitochondrial dysfunctions syndrome 2. Last evaluated: 2022-05-04. Review status: criteria provided, single submitter. Criteria: ACMG Guidelines, 2015. Collection method: curation. Allele origin: germline. Inheritance: Autosomal recessive inheritance.
Comment: The variant has not been previously reported in individuals with multiple mitochondrial dysfunctions syndrome 2 with hyperglycinemia and was absent from large population studies. Computational prediction tools and conservation analyses do not provide strong support for or against an impact to the protein. In summary, the clinical significance of the p.Asn85Asp variant is uncertain. ACMG/AMP Criteria applied: PM2, PM3_supporting (Richards 2015).